The following is an entry in ClinVar:

NM_003001.5(SDHC):c.333A>G (p.Ala111=)

Gene: SDHC (succinate dehydrogenase complex subunit C; plus strand). Cytogenetic location: 1q23.3.
Variant type: single nucleotide variant.
Coding change: c.333A>G on transcript NM_003001.5 (MANE Select); coding-DNA position 333, A replaced by G.
Protein change: p.Ala111=; no amino-acid change (alanine 111 retained).
Molecular consequence: synonymous variant. On other transcripts: non-coding transcript variant (1), intron variant (3).
Genome position (GRCh38, 1-based): chr1:161,356,768, A>G. VCF-style: chr1-161356768-A-G. GRCh37 (hg19) VCF-style: chr1-161326558-A-G.
Other names: c.231A>G, p.Ala77= (NM_001035512.3); c.174A>G, p.Ala58= (NM_001035513.3); c.453A>G, p.Ala151= (NM_001407115.1); c.276A>G, p.Ala92= (NM_001407116.1); c.270A>G, p.Ala90= (NM_001407117.1); c.225A>G, p.Ala75= (NM_001407118.1); c.222A>G, p.Ala74= (NM_001407119.1, NM_001407120.1); c.242-5561A>G (NM_001035511.3); and 2 more.
Identifiers: ClinVar variation 414247 (VCV000414247.18), dbSNP rs950221552, ClinGen allele CA16609918.

ClinVar aggregate classification (germline): Benign/Likely benign. Review status: criteria provided, multiple submitters, no conflicts (2 of 4 stars). 4 submissions from 4 submitters: Benign (1); Likely benign (3). Last evaluated 2025-12-17.

Conditions:
Hereditary pheochromocytoma and paraganglioma. Also called: Hereditary Paraganglioma-Pheochromocytoma Syndromes; Hereditary pheochromocytoma-paraganglioma; Hereditary paragangliomas and pheochromocytomas. Identifiers: Orphanet 29072, MedGen C4274332, MONDO:0017366.
Hereditary cancer-predisposing syndrome. Also called: Neoplastic Syndromes, Hereditary; Hereditary Cancer Syndrome; Hereditary neoplastic syndrome; Tumor predisposition. Identifiers: Orphanet 140162, MedGen C0027672, MeSH D009386, MONDO:0015356.
Gastrointestinal stromal tumor. Also called: Gastrointestinal stroma tumor; Gastrointestinal stromal tumor, somatic. Identifiers: Orphanet 44890, MedGen C0238198, MeSH D046152, MONDO:0011719, OMIM 606764, HP:0100723.
Pheochromocytoma/paraganglioma syndrome 3. Also called: GLOMUS TUMORS, FAMILIAL, 3; Paragangliomas 3; SDHC-Related Hereditary Paraganglioma-Pheochromocytoma Syndrome (Paragangliomas 3); SDHC-Related Hereditary Paraganglioma-Pheochromocytoma Syndrome. Identifiers: Orphanet 29072, MedGen C1854336, MONDO:0011544, OMIM 605373.

gnomAD v4.1: 1 of 1,613,964 alleles (0.000062%); no homozygotes.

Submissions (4):

Labcorp Genetics (formerly Invitae), Labcorp
Classification: Likely benign for Pheochromocytoma/paraganglioma syndrome 3; Gastrointestinal stromal tumor. Last evaluated: 2025-12-17. Review status: criteria provided, single submitter. Criteria: Invitae Variant Classification Sherloc (09022015). Collection method: clinical testing. Allele origin: germline.

Myriad Genetics, Inc.
Classification: Benign for Pheochromocytoma/paraganglioma syndrome 3. Last evaluated: 2025-03-14. Review status: criteria provided, single submitter. Criteria: Myriad Autosomal Dominant, Autosomal Recessive and X-Linked Classification Criteria (2023). Collection method: clinical testing. Allele origin: unknown.
Comment: This variant is considered benign. This variant is a silent/synonymous amino acid change and it is not expected to impact splicing.

All of Us Research Program, National Institutes of Health
Classification: Likely benign for Hereditary pheochromocytoma and paraganglioma. Last evaluated: 2024-05-14. Review status: criteria provided, single submitter. Criteria: ACMG Guidelines, 2015. Collection method: clinical testing. Allele origin: germline. Inheritance: Autosomal dominant inheritance. Observed: 1 variant allele, 1 heterozygote.
Comment: This study involves interpretation of variants in research participants for the purpose of population health screening. Participant phenotype was not available at the time of variant classification. Additional details can be found in publication PMID: 35346344, PMCID: PMC8962531

Ambry Genetics
Classification: Likely benign for Hereditary cancer-predisposing syndrome. Last evaluated: 2019-08-13. Review status: criteria provided, single submitter. Criteria: Ambry Variant Classification Scheme 2023. Collection method: clinical testing. Allele origin: germline.